The following is an entry in ClinVar:

NM_014727.3(KMT2B):c.2871C>T (p.His957=)

Gene: KMT2B (lysine methyltransferase 2B; plus strand). Cytogenetic location: 19q13.12.
Variant type: single nucleotide variant.
Coding change: c.2871C>T on transcript NM_014727.3 (MANE Select); coding-DNA position 2871, C replaced by T.
Protein change: p.His957=; no amino-acid change (histidine 957 retained).
Molecular consequence: synonymous variant.
Genome position (GRCh38, 1-based): chr19:35,723,143, C>T. VCF-style: chr19-35723143-C-T. GRCh37 (hg19) VCF-style: chr19-36214045-C-T.
Other names: c.2871C>T (NM_014727.1).
Identifiers: ClinVar variation 722803 (VCV000722803.34), dbSNP rs200235630, ClinGen allele CA9384592.

ClinVar aggregate classification (germline): Likely benign. Review status: criteria provided, multiple submitters, no conflicts (2 of 4 stars). 4 submissions from 4 submitters: Likely benign (4). Last evaluated 2025-07-21.

Conditions:
Inborn genetic diseases. Identifiers: MedGen C0950123, MeSH D030342.

Allele frequency attached by ClinVar (database versions not stated): gnomAD exomes 0.00019; ExAC 0.00021; ESP Exome Variant Server 0.00055; gnomAD 0.00056; TOPMed 0.00059; 1000 Genomes Project 30x 0.00078; 1000 Genomes Project 0.00100.
gnomAD v4.1: 433 of 1,613,546 alleles (0.027%); highest among the groups gnomAD compares: African/African-American, 0.16%; no homozygotes.

Submissions (4):

Labcorp Genetics (formerly Invitae), Labcorp
Classification: Likely benign. Last evaluated: 2025-07-21. Review status: criteria provided, single submitter. Criteria: Invitae Variant Classification Sherloc (09022015). Collection method: clinical testing. Allele origin: germline.

Blueprint Genetics
Classification: Likely benign. Last evaluated: 2024-02-12. Review status: criteria provided, single submitter. Criteria: ACMG Guidelines, 2015. Collection method: clinical testing. Allele origin: germline.

Ambry Genetics
Classification: Likely benign for Inborn genetic diseases. Last evaluated: 2024-01-19. Review status: criteria provided, single submitter. Criteria: Ambry Variant Classification Scheme 2023. Collection method: clinical testing. Allele origin: germline.

CeGaT Center for Human Genetics Tuebingen
Classification: Likely benign. Last evaluated: 2023-08-01. Review status: criteria provided, single submitter. Criteria: CeGaT Center For Human Genetics Tuebingen Variant Classification Criteria Version 2. Collection method: clinical testing. Allele origin: germline. Affected: yes. Observed: 1 variant allele.
Comment: KMT2B: BP4, BP7